The following is an entry in ClinVar:

NM_003922.4(HERC1):c.13055G>A (p.Arg4352His)

Gene: HERC1 (HECT and RLD domain containing E3 ubiquitin protein ligase family member 1; minus strand). Cytogenetic location: 15q22.31.
Variant type: single nucleotide variant.
Coding change: c.13055G>A on transcript NM_003922.4 (MANE Select); coding-DNA position 13055, G replaced by A.
Protein change: p.Arg4352His; replaces arginine 4352 with histidine.
Molecular consequence: missense variant.
Genome position (GRCh38, 1-based): chr15:63,628,727, C>T on the plus strand (G>A on the coding strand, the complement: HERC1 is on the minus strand). VCF-style: chr15-63628727-C-T. GRCh37 (hg19) VCF-style: chr15-63920926-C-T.
Other names: short protein forms R4352H.
Identifiers: ClinVar variation 2081038 (VCV002081038.4), dbSNP rs1319488179, ClinGen allele CA392736095.

ClinVar aggregate classification (germline): Uncertain significance (1 of 4 stars; one submission).

Allele frequency attached by ClinVar (database versions not stated): gnomAD 0.00001; gnomAD exomes 0.00001; TOPMed 0.00002.
gnomAD v4.1: 8 of 1,613,684 alleles (0.0005%); highest among the groups gnomAD compares: Admixed American, 0.0017%; no homozygotes.

Submission:

Labcorp Genetics (formerly Invitae), Labcorp
Classification: Uncertain significance. Last evaluated: 2026-01-19. Review status: criteria provided, single submitter. Criteria: Invitae Variant Classification Sherloc (09022015). Collection method: clinical testing. Allele origin: germline.
Comment: This sequence change replaces arginine, which is basic and polar, with histidine, which is basic and polar, at codon 4352 of the HERC1 protein (p.Arg4352His). This variant is not present in population databases (gnomAD no frequency). This variant has not been reported in the literature in individuals affected with HERC1-related conditions. ClinVar contains an entry for this variant (Variation ID: 2081038). Invitae Evidence Modeling of protein sequence and biophysical properties (such as structural, functional, and spatial information, amino acid conservation, physicochemical variation, residue mobility, and thermodynamic stability) indicates that this missense variant is expected to disrupt HERC1 protein function with a positive predictive value of 80%. In summary, the available evidence is currently insufficient to determine the role of this variant in disease. Therefore, it has been classified as a Variant of Uncertain Significance.